The following is an entry in ClinVar:

ClinVar aggregate classification (germline): Likely pathogenic. Review status: criteria provided, multiple submitters, no conflicts (2 of 4 stars). 2 submissions from 2 submitters: Likely pathogenic (2). Last evaluated 2026-05-29.

Conditions:
Retinoblastoma (RB1). Also called: RETINOBLASTOMA, SOMATIC. Identifiers: Orphanet 790, MedGen C0035335, MeSH D012175, MONDO:0008380, OMIM 180200, HP:0009919. Disease mechanism: loss of function. Inheritance: Both sporadic and heritable forms are tested..

Submissions (3):

Diller/Parad Lab, Dana-Farber/Harvard Cancer Center
Classification: Likely pathogenic for Retinoblastoma. Last evaluated: 2026-05-29. Review status: criteria provided, single submitter. Criteria: ACMG Guidelines, 2015. Collection method: research. Allele origin: germline. Affected: yes.
Comment: It has been classified as Likely Pathogenic using Richards et al (PMID:25741868) based on the following evidence codes: PM2.

Genetics and Molecular Pathology, SA Pathology
Classification: Likely pathogenic for Retinoblastoma. Last evaluated: 2022-07-28. Review status: criteria provided, single submitter. Criteria: ACMG Guidelines, 2015. Collection method: clinical testing. Allele origin: germline. Inheritance: Autosomal dominant inheritance. Affected: yes.

MutSpliceDB: a database of splice sites variants effects on splicing, NIH
No classification provided (evidence only). Review status: no classification provided. Collection method: in vitro. Allele origin: not applicable. Functional consequence: skipped exon. Not counted in ClinVar's aggregate classification.

NM_000321.3(RB1):c.1389+5G>C

Gene: RB1 (RB transcriptional corepressor 1; plus strand). Cytogenetic location: 13q14.2.
Variant type: single nucleotide variant.
Coding change: c.1389+5G>C on transcript NM_000321.3 (MANE Select); 5 bases into the intron after coding-DNA position 1389, G replaced by C.
Molecular consequence: intron variant.
Genome position (GRCh38, 1-based): chr13:48,379,655, G>C. VCF-style: chr13-48379655-G-C. GRCh37 (hg19) VCF-style: chr13-48953791-G-C.
Identifiers: ClinVar variation 635396 (VCV000635396.7), dbSNP rs1131690859, ClinGen allele CA658655602.
Genomic context (GRCh38, chr13:48,379,655, plus strand): 5'-GATACAAACTTGGAGTTCGCTTGTATTACCGAGTAATGGAATCCATGCTTAAATCAGTAA[G>C]TTAAAAACAATATAAAAAAATTTCAGCCGGGCGCGGTGGCTCACGCCTGCAATCCCAGCA-3'